The following is an entry in ClinVar:

ClinVar aggregate classification (germline): Uncertain significance. Review status: criteria provided, multiple submitters, no conflicts (2 of 4 stars). 2 submissions from 2 submitters: Uncertain significance (2). Last evaluated 2025-06-08.

Conditions:
Cardiovascular phenotype. Identifiers: MedGen CN230736.
Hereditary cancer-predisposing syndrome. Also called: Neoplastic Syndromes, Hereditary; Tumor predisposition; Hereditary Cancer Syndrome; Hereditary neoplastic syndrome. Identifiers: Orphanet 140162, MedGen C0027672, MeSH D009386, MONDO:0015356.

gnomAD v4.1: 1 of 1,612,522 alleles (0.000062%); highest among the groups gnomAD compares: Non-Finnish European, 0.000085%; no homozygotes.

Submissions (2):

Labcorp Genetics (formerly Invitae), Labcorp
Classification: Uncertain significance. Last evaluated: 2025-06-08. Review status: criteria provided, single submitter. Criteria: Invitae Variant Classification Sherloc (09022015). Collection method: clinical testing. Allele origin: germline.
Comment: This sequence change replaces leucine, which is neutral and non-polar, with arginine, which is basic and polar, at codon 553 of the LZTR1 protein (p.Leu553Arg). This variant is present in population databases (no rsID available, gnomAD 0.0009%). This missense change has been observed in individual(s) with clinical features of LZTR1-related conditions (PMID: 36252119). ClinVar contains an entry for this variant (Variation ID: 1777403). Invitae Evidence Modeling of protein sequence and biophysical properties (such as structural, functional, and spatial information, amino acid conservation, physicochemical variation, residue mobility, and thermodynamic stability) indicates that this missense variant is not expected to disrupt LZTR1 protein function with a negative predictive value of 80%. In summary, the available evidence is currently insufficient to determine the role of this variant in disease. Therefore, it has been classified as a Variant of Uncertain Significance.

Ambry Genetics
Classification: Uncertain significance for Cardiovascular phenotype; Hereditary cancer-predisposing syndrome. Last evaluated: 2022-10-12. Review status: criteria provided, single submitter. Criteria: Ambry Variant Classification Scheme 2023. Collection method: clinical testing. Allele origin: germline.
Comment: The p.L553R variant (also known as c.1658T>G), located in coding exon 15 of the LZTR1 gene, results from a T to G substitution at nucleotide position 1658. The leucine at codon 553 is replaced by arginine, an amino acid with dissimilar properties. This amino acid position is conserved. In addition, this alteration is predicted to be deleterious by in silico analysis. Since supporting evidence is limited at this time, the clinical significance of this alteration remains unclear.

Literature cited by the submitters: PubMed 36252119 (cited by Labcorp Genetics (formerly Invitae), Labcorp).

NM_006767.4(LZTR1):c.1658T>G (p.Leu553Arg)

Gene: LZTR1 (leucine zipper like post translational regulator 1; plus strand). Cytogenetic location: 22q11.21.
Variant type: single nucleotide variant.
Coding change: c.1658T>G on transcript NM_006767.4 (MANE Select); coding-DNA position 1658, T replaced by G.
Protein change: p.Leu553Arg; replaces leucine 553 with arginine.
Molecular consequence: missense variant.
Genome position (GRCh38, 1-based): chr22:20,994,600, T>G. VCF-style: chr22-20994600-T-G. GRCh37 (hg19) VCF-style: chr22-21348889-T-G.
Other names: short protein forms L553R.
Identifiers: ClinVar variation 1777403 (VCV001777403.4), dbSNP rs1349551741, ClinGen allele CA410776706.